The following is an entry in ClinVar:

NM_003185.4(TAF4):c.1028A>G (p.Lys343Arg)

Gene: TAF4 (TATA-box binding protein associated factor 4; minus strand). Cytogenetic location: 20q13.33.
Variant type: single nucleotide variant.
Coding change: c.1028A>G on transcript NM_003185.4 (MANE Select); coding-DNA position 1028, A replaced by G.
Protein change: p.Lys343Arg; replaces lysine 343 with arginine.
Molecular consequence: missense variant.
Genome position (GRCh38, 1-based): chr20:62,064,783, T>C on the plus strand (A>G on the coding strand, the complement: TAF4 is on the minus strand). VCF-style: chr20-62064783-T-C. GRCh37 (hg19) VCF-style: chr20-60639839-T-C.
Other names: short protein forms K343R.
Identifiers: ClinVar variation 4082691 (VCV004082691.1).

ClinVar aggregate classification (germline): Uncertain significance (1 of 4 stars; one submission).

Submission:

GeneDx
Classification: Uncertain significance. Last evaluated: 2025-03-07. Review status: criteria provided, single submitter. Criteria: GeneDx Variant Classification Process June 2021. Collection method: clinical testing. Allele origin: germline. Affected: yes.
Comment: Not observed at significant frequency in large population cohorts (gnomAD); In silico analysis indicates that this missense variant does not alter protein structure/function; Has not been previously published as pathogenic or benign to our knowledge